The following is an entry in ClinVar:

ClinVar aggregate classification (germline): Benign/Likely benign. Review status: criteria provided, multiple submitters, no conflicts (2 of 4 stars). 5 submissions from 5 submitters: Benign (1); Likely benign (4). Last evaluated 2025-08-07.

Conditions:
Breast-ovarian cancer, familial, susceptibility to, 3. Also called: RAD51C-Related Breast/Ovarian Cancer. Identifiers: Orphanet 145, MedGen C3150659, MONDO:0013253, OMIM 613399.
Fanconi anemia complementation group O. Also called: RAD51C-Related Fanconi Anemia. Identifiers: Orphanet 84, MedGen C3150653, MONDO:0013248, OMIM 613390.
Hereditary cancer-predisposing syndrome. Also called: Hereditary neoplastic syndrome; Neoplastic Syndromes, Hereditary; Tumor predisposition; Hereditary Cancer Syndrome. Identifiers: Orphanet 140162, MedGen C0027672, MeSH D009386, MONDO:0015356.

Allele frequency attached by ClinVar (database versions not stated): gnomAD exomes below 0.00001; TOPMed 0.00002; gnomAD 0.00003 and 0.00004.

Submissions (5):

Labcorp Genetics (formerly Invitae), Labcorp
Classification: Likely benign for Fanconi anemia complementation group O. Last evaluated: 2025-08-07. Review status: criteria provided, single submitter. Criteria: Invitae Variant Classification Sherloc (09022015). Collection method: clinical testing. Allele origin: germline.

Myriad Genetics, Inc.
Classification: Benign for Breast-ovarian cancer, familial, susceptibility to, 3. Last evaluated: 2025-02-18. Review status: criteria provided, single submitter. Criteria: Myriad Autosomal Dominant, Autosomal Recessive and X-Linked Classification Criteria (2023). Collection method: clinical testing. Allele origin: unknown.
Comment: This variant is considered benign. This variant is a silent/synonymous amino acid change and it is not expected to impact splicing.

Fulgent Genetics
Classification: Likely benign for Fanconi anemia complementation group O; Breast-ovarian cancer, familial, susceptibility to, 3. Last evaluated: 2022-01-12. Review status: criteria provided, single submitter. Criteria: ACMG Guidelines, 2015. Collection method: clinical testing. Allele origin: unknown.

Color Diagnostics, LLC DBA Color Health
Classification: Likely benign for Hereditary cancer-predisposing syndrome. Last evaluated: 2019-01-14. Review status: criteria provided, single submitter. Criteria: ACMG Guidelines, 2015. Collection method: clinical testing. Allele origin: germline.

Ambry Genetics
Classification: Likely benign for Hereditary cancer-predisposing syndrome. Last evaluated: 2016-04-21. Review status: criteria provided, single submitter. Criteria: Ambry Variant Classification Scheme 2023. Collection method: clinical testing. Allele origin: germline.

NM_058216.3(RAD51C):c.546T>G (p.Leu182=)

Gene: RAD51C (RAD51 paralog C; plus strand). Cytogenetic location: 17q22.
Variant type: single nucleotide variant.
Coding change: c.546T>G on transcript NM_058216.3 (MANE Select); coding-DNA position 546, T replaced by G.
Protein change: p.Leu182=; no amino-acid change (leucine 182 retained).
Molecular consequence: synonymous variant.
Genome position (GRCh38, 1-based): chr17:58,696,834, T>G. VCF-style: chr17-58696834-T-G. GRCh37 (hg19) VCF-style: chr17-56774195-T-G.
Other names: c.546T>G (LRG_314t1).
Identifiers: ClinVar variation 480501 (VCV000480501.20), dbSNP rs1476282276, ClinGen allele CA501075064.